The following is an entry in ClinVar:

NM_020461.4(TUBGCP6):c.895C>T (p.Arg299Ter)

Gene: TUBGCP6 (tubulin gamma complex component 6; minus strand). Cytogenetic location: 22q13.33.
Variant type: single nucleotide variant.
Coding change: c.895C>T on transcript NM_020461.4 (MANE Select); coding-DNA position 895, C replaced by T.
Protein change: p.Arg299Ter; replaces arginine 299 with a stop codon.
Molecular consequence: nonsense.
Genome position (GRCh38, 1-based): chr22:50,240,214, G>A on the plus strand (C>T on the coding strand, the complement: TUBGCP6 is on the minus strand). VCF-style: chr22-50240214-G-A. GRCh37 (hg19) VCF-style: chr22-50678643-G-A.
Other names: short protein forms R299*.
Identifiers: ClinVar variation 212517 (VCV000212517.14), dbSNP rs192919234, ClinGen allele CA207341.
Genomic context (GRCh38, chr22:50,240,214, plus strand): 5'-CTCATGCAGGGGTAGGGGCACTGCATGCCAAGGCAAAGAAGGGCACACACCAGCCAACTC[G>A]CTCCCAGCACCTCCGCTTGCTGGCCTCATAGGTAAGTGCGGCTTCCCACAGGTCCACGTC-3'

ClinVar aggregate classification (germline): Pathogenic/Likely pathogenic. Review status: criteria provided, multiple submitters, no conflicts (2 of 4 stars). 5 submissions from 5 submitters: Pathogenic (4); Likely pathogenic (1). Last evaluated 2025-02-10.

Conditions:
TUBGCP6-related disorder. Also called: TUBGCP6-related condition.
Microcephaly and chorioretinopathy with or without intellectual disability. Identifiers: MedGen CN233046.
Microcephaly and chorioretinopathy 1. Also called: Microcephaly and chorioretinopathy, autosomal recessive, 1. Identifiers: MedGen C3278481, MONDO:0009624, OMIM 251270.

Allele frequency attached by ClinVar (database versions not stated): gnomAD exomes 0.00002; ExAC 0.00004; gnomAD 0.00004 and 0.00005; TOPMed 0.00005; ESP Exome Variant Server 0.00015; 1000 Genomes Project 0.00040; 1000 Genomes Project 30x 0.00062.
gnomAD v4.1: 18 of 1,613,754 alleles (0.0011%); highest among the groups gnomAD compares: African/African-American, 0.021%; no homozygotes.

Submissions (5):

Labcorp Genetics (formerly Invitae), Labcorp
Classification: Pathogenic. Last evaluated: 2025-02-10. Review status: criteria provided, single submitter. Criteria: Invitae Variant Classification Sherloc (09022015). Collection method: clinical testing. Allele origin: germline.
Comment: This sequence change creates a premature translational stop signal (p.Arg299*) in the TUBGCP6 gene. It is expected to result in an absent or disrupted protein product. Loss-of-function variants in TUBGCP6 are known to be pathogenic (PMID: 25344692). This variant is present in population databases (rs192919234, gnomAD 0.03%). This variant has not been reported in the literature in individuals affected with TUBGCP6-related conditions. ClinVar contains an entry for this variant (Variation ID: 212517). Algorithms developed to predict the effect of sequence changes on RNA splicing suggest that this variant may disrupt the consensus splice site. For these reasons, this variant has been classified as Pathogenic.

Blueprint Genetics
Classification: Likely pathogenic for TUBGCP6-related disorders. Last evaluated: 2024-02-27. Review status: criteria provided, single submitter. Criteria: ACMG Guidelines, 2015. Collection method: clinical testing. Allele origin: germline. Affected: yes. Observed: 2 variant alleles.

Department of Pathology and Laboratory Medicine, Sinai Health System
Classification: Pathogenic for Microcephaly and chorioretinopathy 1. Last evaluated: 2023-04-03. Review status: criteria provided, single submitter. Criteria: ACMG Guidelines, 2015. Collection method: research. Allele origin: germline.

Dasa
Classification: Pathogenic for Microcephaly and chorioretinopathy 1. Last evaluated: 2022-11-03. Review status: criteria provided, single submitter. Criteria: ACMG Guidelines, 2015. Collection method: clinical testing. Allele origin: germline. Affected: yes. Observed: 1 variant allele.
Comment: The c.895C>T;p.(Arg299*) variant creates a premature translational stop signal in the TUBGCP6 gene. It is expected to result in an absent or disrupted protein product - PVS1. ClinVar contains an entry for this variant (Clinvar ID:212517) - PS4_supporting. The variant is present at low allele frequencies population databases (rs192919234 – gnomAD 0.0002127%; ABraOM 0.000427 frequency) - PM2_supporting. In summary, the currently available evidence indicates that the variant is pathogenic.

Genetic Services Laboratory, University of Chicago
Classification: Pathogenic for Microcephaly and chorioretinopathy with or without mental retardation. Last evaluated: 2014-12-12. Review status: criteria provided, single submitter. Criteria: ACMG Guidelines, 2015. Collection method: clinical testing. Allele origin: germline. Affected: yes.

Literature cited by the submitters: PubMed 25344692 (cited by Labcorp Genetics (formerly Invitae), Labcorp).